The following is an entry in ClinVar:

NM_198576.4(AGRN):c.5441C>T (p.Ala1814Val)

Gene: AGRN (agrin; plus strand). Cytogenetic location: 1p36.33.
Variant type: single nucleotide variant.
Coding change: c.5441C>T on transcript NM_198576.4 (MANE Select); coding-DNA position 5441, C replaced by T.
Protein change: p.Ala1814Val; replaces alanine 1814 with valine.
Molecular consequence: missense variant.
Genome position (GRCh38, 1-based): chr1:1,051,523, C>T. VCF-style: chr1-1051523-C-T. GRCh37 (hg19) VCF-style: chr1-986903-C-T.
Other names: c.5453C>T, p.Ala1818Val (NM_001305275.2); c.5138C>T, p.Ala1713Val (NM_001364727.2); short protein forms A1713V, A1814V, A1818V.
Identifiers: ClinVar variation 1006301 (VCV001006301.9), dbSNP rs544353964, ClinGen allele CA510035.

ClinVar aggregate classification (germline): Uncertain significance (1 of 4 stars; one submission).

Conditions:
Congenital myasthenic syndrome 8. Also called: MYASTHENIC SYNDROME, CONGENITAL, DUE TO AGRIN DEFICIENCY; Myasthenic syndrome, congenital, 8, with pre- and postsynaptic defects. Identifiers: Orphanet 590, MedGen C3808739, MONDO:0014052, OMIM 615120.

Allele frequency attached by ClinVar (database versions not stated): gnomAD below 0.00001 and 0.00001; gnomAD exomes 0.00003 and 0.00004; ExAC 0.00013; 1000 Genomes Project 30x 0.00016; 1000 Genomes Project 0.00020.
gnomAD v4.1: 40 of 1,566,738 alleles (0.0026%); highest among the groups gnomAD compares: South Asian, 0.045%; no homozygotes.

Submission:

Labcorp Genetics (formerly Invitae), Labcorp
Classification: Uncertain significance for Congenital myasthenic syndrome 8. Last evaluated: 2024-07-06. Review status: criteria provided, single submitter. Criteria: Invitae Variant Classification Sherloc (09022015). Collection method: clinical testing. Allele origin: germline.
Comment: This sequence change replaces alanine, which is neutral and non-polar, with valine, which is neutral and non-polar, at codon 1814 of the AGRN protein (p.Ala1814Val). The frequency data for this variant in the population databases is considered unreliable, as metrics indicate poor data quality at this position in the gnomAD database. This variant has not been reported in the literature in individuals affected with AGRN-related conditions. ClinVar contains an entry for this variant (Variation ID: 1006301). Algorithms developed to predict the effect of missense changes on protein structure and function output the following: SIFT: "Not Available"; PolyPhen-2: "Benign"; Align-GVGD: "Not Available". The valine amino acid residue is found in multiple mammalian species, which suggests that this missense change does not adversely affect protein function. Algorithms developed to predict the effect of sequence changes on RNA splicing suggest that this variant may create or strengthen a splice site. In summary, the available evidence is currently insufficient to determine the role of this variant in disease. Therefore, it has been classified as a Variant of Uncertain Significance.